The following is an entry in ClinVar:

ClinVar aggregate classification (germline): Uncertain significance (1 of 4 stars; one submission).

Conditions:
Melanoma, cutaneous malignant, susceptibility to, 8. Also called: Cutaneous malignant melanoma 8; MELANOMA AND RENAL CELL CARCINOMA, SUSCEPTIBILITY TO. Identifiers: Orphanet 293822, MedGen C3152204, MONDO:0013759, OMIM 614456.
Tietz syndrome (TADS). Also called: HYPOPIGMENTATION/DEAFNESS OF TIETZ; TIETZ ALBINISM-DEAFNESS SYNDROME; ALBINISM-DEAFNESS OF TIETZ. Identifiers: Orphanet 42665, MedGen C0391816, MONDO:0007077, OMIM 103500.
Waardenburg syndrome type 2A (WS2A). Also called: WAARDENBURG SYNDROME WITHOUT DYSTOPIA CANTHORUM. Identifiers: Orphanet 3440, MedGen C1860339, MONDO:0008671, OMIM 193510.

gnomAD v4.1: 14 of 1,613,872 alleles (0.00087%); highest among the groups gnomAD compares: South Asian, 0.0055%; 1 homozygote.

Submission:

Labcorp Genetics (formerly Invitae), Labcorp
Classification: Uncertain significance for Melanoma, cutaneous malignant, susceptibility to, 8; Waardenburg syndrome type 2A; Tietz syndrome. Last evaluated: 2024-12-04. Review status: criteria provided, single submitter. Criteria: Invitae Variant Classification Sherloc (09022015). Collection method: clinical testing. Allele origin: germline.
Comment: This sequence change replaces arginine, which is basic and polar, with tryptophan, which is neutral and slightly polar, at codon 279 of the MITF protein (p.Arg279Trp). This variant is present in population databases (rs771113831, gnomAD 0.02%). This variant has not been reported in the literature in individuals affected with MITF-related conditions. Invitae Evidence Modeling of protein sequence and biophysical properties (such as structural, functional, and spatial information, amino acid conservation, physicochemical variation, residue mobility, and thermodynamic stability) indicates that this missense variant is expected to disrupt MITF protein function with a positive predictive value of 80%. In summary, the available evidence is currently insufficient to determine the role of this variant in disease. Therefore, it has been classified as a Variant of Uncertain Significance.

NM_001354604.2(MITF):c.1156C>T (p.Arg386Trp)

Gene: MITF (melanocyte inducing transcription factor; plus strand). Cytogenetic location: 3p13.
Variant type: single nucleotide variant.
Coding change: c.1156C>T on transcript NM_001354604.2 (MANE Select); coding-DNA position 1156, C replaced by T.
Protein change: p.Arg386Trp; replaces arginine 386 with tryptophan.
Molecular consequence: missense variant.
Genome position (GRCh38, 1-based): chr3:69,959,397, C>T. VCF-style: chr3-69959397-C-T. GRCh37 (hg19) VCF-style: chr3-70008548-C-T.
Other names: c.835C>T, p.Arg279Trp (NM_000248.4); c.982C>T, p.Arg328Trp (NM_001184967.2, NM_001354608.2); c.1153C>T, p.Arg385Trp (NM_001354605.2); c.1135C>T, p.Arg379Trp (NM_001354606.2, NM_006722.3); c.1087C>T, p.Arg363Trp (NM_001354607.2); c.817C>T, p.Arg273Trp (NM_198158.3); c.1138C>T, p.Arg380Trp (NM_198159.3); c.1090C>T, p.Arg364Trp (NM_198177.3); and 1 more; short protein forms R217W, R273W, R279W, R328W, R363W, R364W, R379W, R380W.
Identifiers: ClinVar variation 3749171 (VCV003749171.2).